The following is an entry in ClinVar:

ClinVar aggregate classification (germline): Likely pathogenic (1 of 4 stars; one submission).

Conditions:
Usher syndrome type 1 (USH1). Also called: RETINITIS PIGMENTOSA AND CONGENITAL DEAFNESS. Identifiers: Orphanet 231169, Orphanet 886, MedGen C1568247, MONDO:0010168, OMIM 276900.

Submission:

Myriad Genetics, Inc.
Classification: Likely pathogenic for Usher syndrome type 1. Last evaluated: 2022-01-02. Review status: criteria provided, single submitter. Criteria: Myriad Women's Health Autosomal Recessive and X-Linked Classification Criteria (2021). Collection method: clinical testing. Allele origin: unknown.
Comment: NM_000260.3(MYO7A):c.2287_2288delAA(N763Lfs*21) is expected to be pathogenic in the context of MYO7A-related disorders. This variant is predicted to lead to an abnormal or absent protein product due to the creation of a premature termination codon in MYO7A, a gene where loss-of-function variants are known to be pathogenic. Please note: this variant was assessed in the context of healthy population screening.

NM_000260.4(MYO7A):c.2287_2288del (p.Asn763fs)

Gene: MYO7A (myosin VIIA; plus strand). Cytogenetic location: 11q13.5.
Variant type: Deletion.
Coding change: c.2287_2288del on transcript NM_000260.4 (MANE Select); coding-DNA positions 2287 to 2288, 2 bases deleted (AA; older notation c.2287_2288delAA).
Protein change: p.Asn763fs; shifts the reading frame from asparagine 763.
Molecular consequence: frameshift variant.
Genome position (GRCh38, 1-based): chr11:77,179,049-77,179,050, AA deleted. VCF-style (leftmost placement, unchanged base first): chr11-77179048-TAA-T. GRCh37 (hg19) VCF-style: chr11-76890094-TAA-T.
Other names: c.2287_2288del, p.Asn763fs (NM_001127180.2); c.2254_2255del, p.Asn752fs (NM_001369365.1); short protein forms N752fs, N763fs.
Identifiers: ClinVar variation 1726755 (VCV001726755.2), dbSNP rs2497161585, ClinGen allele CA2580084945.